The following is an entry in ClinVar:

NM_014363.6(SACS):c.4101T>G (p.Tyr1367Ter)

Gene: SACS (sacsin molecular chaperone; minus strand). Cytogenetic location: 13q12.12.
Variant type: single nucleotide variant.
Coding change: c.4101T>G on transcript NM_014363.6 (MANE Select); coding-DNA position 4101, T replaced by G.
Protein change: p.Tyr1367Ter; replaces tyrosine 1367 with a stop codon.
Molecular consequence: nonsense.
Genome position (GRCh38, 1-based): chr13:23,339,775, A>C on the plus strand (T>G on the coding strand, the complement: SACS is on the minus strand). VCF-style: chr13-23339775-A-C. GRCh37 (hg19) VCF-style: chr13-23913914-A-C.
Other names: c.3660T>G, p.Tyr1220Ter (NM_001278055.2); c.4128T>G, p.Tyr1376Ter (NM_001437336.1); short protein forms Y1220*, Y1367*, Y1376*.
Identifiers: ClinVar variation 4081787 (VCV004081787.1).
Genomic context (GRCh38, chr13:23,339,775, plus strand): 5'-AGGATTTTTGCTATGATGTATAGGAACTGGTGTGTTGGGGCTTGCTGGAATCTGATTGCT[A>C]TACAGCCATCTGATAATATTCAACATAAGATGAAGATTTTGTTTGCTTTCTTGTTCACTG-3'

ClinVar aggregate classification (germline): Pathogenic (1 of 4 stars; one submission).

Conditions:
Charlevoix-Saguenay spastic ataxia (SACS). Also called: SPASTIC ATAXIA 6, AUTOSOMAL RECESSIVE; AUTOSOMAL RECESSIVE SPASTIC ATAXIA OF CHARLEVOIX-SAGUENAY; Spastic ataxia of Charlevoix-Saguenay. Identifiers: Orphanet 98, MedGen C1849140, MONDO:0010041, OMIM 270550.

Submission:

Myriad Genetics, Inc.
Classification: Pathogenic for Charlevoix-Saguenay spastic ataxia. Last evaluated: 2025-05-19. Review status: criteria provided, single submitter. Criteria: Myriad Autosomal Dominant, Autosomal Recessive and X-Linked Classification Criteria (2023). Collection method: clinical testing. Allele origin: unknown.
Comment: NM_014363.4(SACS):c.4101T>G(Y1367*) is a nonsense variant classified as pathogenic in the context of autosomal recessive spastic ataxia of Charlevoix-Saguenay. Y1367* has not been observed in cases with relevant disease. Relevant functional assessments of this variant are not available in the literature. Y1367* has not been observed in referenced population frequency databases. In summary, NM_014363.4(SACS):c.4101T>G(Y1367*) is a nonsense variant in a gene where loss of function is a known mechanism of disease and is predicted to disrupt protein function. Please note: this variant was assessed in the context of healthy population screening.